The following is an entry in ClinVar:

NM_018706.7(DHTKD1):c.2155-3C>T

Gene: DHTKD1 (dehydrogenase E1 and transketolase domain containing 1; plus strand). Cytogenetic location: 10p14.
Variant type: single nucleotide variant.
Coding change: c.2155-3C>T on transcript NM_018706.7 (MANE Select); 3 bases into the intron before coding-DNA position 2155, C replaced by T.
Molecular consequence: intron variant.
Genome position (GRCh38, 1-based): chr10:12,112,897, C>T. VCF-style: chr10-12112897-C-T. GRCh37 (hg19) VCF-style: chr10-12154896-C-T.
Identifiers: ClinVar variation 1522931 (VCV001522931.6), dbSNP rs2131624128, ClinGen allele CA2573144969.
Genomic context (GRCh38, chr10:12,112,897, plus strand): 5'-TGTCACTACGACTGAAATAGATGATCTGAACATTCTTCTCCTTTCTTGCCACTTCTCTCC[C>T]AGATGTGTGACAGTGCGGAAGAGGGGGTGGACGGAGACACTGTGAACATGTTTGTGGTTC-3'

ClinVar aggregate classification (germline): Uncertain significance (1 of 4 stars; one submission).

Conditions:
2-aminoadipic 2-oxoadipic aciduria (AAKAD). Also called: Aminoadipic aciduria; ALPHA-AMINOADIPIC AND ALPHA-KETOADIPIC ACIDURIA. Identifiers: Orphanet 79154, MedGen C1859817, MONDO:0008774, OMIM 204750.

Submission:

Labcorp Genetics (formerly Invitae), Labcorp
Classification: Uncertain significance for 2-aminoadipic 2-oxoadipic aciduria. Last evaluated: 2022-06-30. Review status: criteria provided, single submitter. Criteria: Invitae Variant Classification Sherloc (09022015). Collection method: clinical testing. Allele origin: germline.
Comment: This sequence change falls in intron 12 of the DHTKD1 gene. It does not directly change the encoded amino acid sequence of the DHTKD1 protein. It affects a nucleotide within the consensus splice site. This variant is not present in population databases (gnomAD no frequency). This variant has not been reported in the literature in individuals affected with DHTKD1-related conditions. ClinVar contains an entry for this variant (Variation ID: 1522931). Variants that disrupt the consensus splice site are a relatively common cause of aberrant splicing (PMID: 17576681, 9536098). Algorithms developed to predict the effect of sequence changes on RNA splicing suggest that this variant is not likely to affect RNA splicing. In summary, the available evidence is currently insufficient to determine the role of this variant in disease. Therefore, it has been classified as a Variant of Uncertain Significance.

Literature cited by the submitters: PubMed 17576681; PubMed 9536098.